The following is an entry in ClinVar:

NM_206933.4(USH2A):c.5990C>T (p.Thr1997Ile)

Gene: USH2A (usherin; minus strand). Cytogenetic location: 1q41.
Variant type: single nucleotide variant.
Coding change: c.5990C>T on transcript NM_206933.4 (MANE Select); coding-DNA position 5990, C replaced by T.
Protein change: p.Thr1997Ile; replaces threonine 1997 with isoleucine.
Molecular consequence: missense variant.
Genome position (GRCh38, 1-based): chr1:216,070,160, G>A on the plus strand (C>T on the coding strand, the complement: USH2A is on the minus strand). VCF-style: chr1-216070160-G-A. GRCh37 (hg19) VCF-style: chr1-216243502-G-A.
Other names: short protein forms T1997I.
Identifiers: ClinVar variation 1506988 (VCV001506988.7), dbSNP rs2031510445, ClinGen allele CA344862013.

ClinVar aggregate classification (germline): Uncertain significance. Review status: criteria provided, multiple submitters, no conflicts (2 of 4 stars). 2 submissions from 2 submitters: Uncertain significance (2). Last evaluated 2023-10-01.

Conditions:
Retinal dystrophy. Also called: Inherited retinal dystrophy. Identifiers: Orphanet 71862, MedGen C0854723, MeSH D058499, MONDO:0019118, HP:0000556.

Allele frequency attached by ClinVar (database versions not stated): gnomAD exomes 0.00001.
gnomAD v4.1: 3 of 1,613,978 alleles (0.00019%); highest among the groups gnomAD compares: East Asian, 0.0067%; no homozygotes.

Submissions (2):

Dept Of Ophthalmology, Nagoya University
Classification: Uncertain significance for Retinal dystrophy. Last evaluated: 2023-10-01. Review status: criteria provided, single submitter. Criteria: Submitter's publication. Collection method: research. Allele origin: germline. Affected: yes.

Labcorp Genetics (formerly Invitae), Labcorp
Classification: Uncertain significance. Last evaluated: 2022-03-09. Review status: criteria provided, single submitter. Criteria: Invitae Variant Classification Sherloc (09022015). Collection method: clinical testing. Allele origin: germline.
Comment: This sequence change replaces threonine, which is neutral and polar, with isoleucine, which is neutral and non-polar, at codon 1997 of the USH2A protein (p.Thr1997Ile). This variant is not present in population databases (gnomAD no frequency). This variant has not been reported in the literature in individuals affected with USH2A-related conditions. Algorithms developed to predict the effect of missense changes on protein structure and function (SIFT, PolyPhen-2, Align-GVGD) all suggest that this variant is likely to be tolerated. In summary, the available evidence is currently insufficient to determine the role of this variant in disease. Therefore, it has been classified as a Variant of Uncertain Significance.